The following is an entry in ClinVar:

NM_198578.4(LRRK2):c.1256C>T (p.Ala419Val)

Gene: LRRK2 (leucine rich repeat kinase 2; plus strand). Cytogenetic location: 12q12.
Variant type: single nucleotide variant.
Coding change: c.1256C>T on transcript NM_198578.4 (MANE Select); coding-DNA position 1256, C replaced by T.
Protein change: p.Ala419Val; replaces alanine 419 with valine.
Molecular consequence: missense variant.
Genome position (GRCh38, 1-based): chr12:40,252,984, C>T. VCF-style: chr12-40252984-C-T. GRCh37 (hg19) VCF-style: chr12-40646786-C-T.
Other names: short protein forms A419V.
Identifiers: ClinVar variation 39131 (VCV000039131.49), dbSNP rs34594498, ClinGen allele CA343473.

ClinVar aggregate classification (germline): Benign/Likely benign. Review status: criteria provided, multiple submitters, no conflicts (2 of 4 stars). 7 submissions from 7 submitters: Benign (3); Likely benign (2). 2 of the submissions do not count toward it. Last evaluated 2026-01-28.

Conditions:
LRRK2-related disorder. Also called: LRRK2-related condition.
Autosomal dominant Parkinson disease 8. Also called: LRRK2-Related Parkinson Disease; Parkinson disease 8; Parkinson disease 8, susceptibility to. Identifiers: Orphanet 411602, MedGen C1846862, MONDO:0011764, OMIM 607060.

Allele frequency attached by ClinVar (database versions not stated): ESP Exome Variant Server 0.00008; gnomAD 0.00025 and 0.00040; gnomAD exomes 0.00049; ExAC 0.00051; TOPMed 0.00051; 1000 Genomes Project 30x 0.00125; 1000 Genomes Project 0.00140.
gnomAD v4.1: 694 of 1,612,656 alleles (0.043%); highest among the groups gnomAD compares: East Asian, 1%; 6 homozygotes.

Submissions (7):

Labcorp Genetics (formerly Invitae), Labcorp
Classification: Benign for Autosomal dominant Parkinson disease 8. Last evaluated: 2026-01-28. Review status: criteria provided, single submitter. Criteria: Invitae Variant Classification Sherloc (09022015). Collection method: clinical testing. Allele origin: germline.

CeGaT Center for Human Genetics Tuebingen
Classification: Likely benign. Last evaluated: 2023-08-01. Review status: criteria provided, single submitter. Criteria: CeGaT Center For Human Genetics Tuebingen Variant Classification Criteria Version 2. Collection method: clinical testing. Allele origin: germline. Affected: yes. Observed: 2 variant alleles.
Comment: LRRK2: BS1

Fulgent Genetics
Classification: Likely benign for Autosomal dominant Parkinson disease 8. Last evaluated: 2021-09-30. Review status: criteria provided, single submitter. Criteria: ACMG Guidelines, 2015. Collection method: clinical testing. Allele origin: unknown.

GeneDx
Classification: Benign. Last evaluated: 2020-12-01. Review status: criteria provided, single submitter. Criteria: GeneDx Variant Classification Process June 2021. Collection method: clinical testing. Allele origin: germline. Affected: yes.
Comment: This variant is associated with the following publications: (PMID: 24470158, 21885347, 23913756, 22807999, 24082139, 22575234, 22418733, 26234753, 30049590, 31182772, 31589614)

Illumina Laboratory Services, Illumina
Classification: Benign for Autosomal dominant Parkinson disease 8. Last evaluated: 2018-01-12. Review status: criteria provided, single submitter. Criteria: ICSL Variant Classification Criteria 13 December 2019. Collection method: clinical testing. Allele origin: germline.
Comment: This variant was observed in the ICSL laboratory as part of a predisposition screen in an ostensibly healthy population. It had not been previously curated by ICSL or reported in the Human Gene Mutation Database (HGMD: prior to June 1st, 2018), and was therefore a candidate for classification through an automated scoring system. Utilizing variant allele frequency, disease prevalence and penetrance estimates, and inheritance mode, an automated score was calculated to assess if this variant is too frequent to cause the disease. Based on the score and internal cut-off values, a variant classified as benign is not then subjected to further curation. The score for this variant resulted in a classification of benign for this disease.

PreventionGenetics, part of Exact Sciences
Classification: Likely benign for LRRK2-related condition. Last evaluated: 2024-01-25. Review status: no assertion criteria provided. Collection method: clinical testing. Allele origin: germline. Not counted in ClinVar's aggregate classification.
Comment: This variant is classified as likely benign based on ACMG/AMP sequence variant interpretation guidelines (Richards et al. 2015 PMID: 25741868, with internal and published modifications).

GeneReviews
No classification provided. Condition: Autosomal dominant Parkinson disease 8. Review status: no classification provided. Collection method: literature only. Allele origin: unknown. Not counted in ClinVar's aggregate classification.

Literature cited by the submitters: PubMed 16633828 (cited by GeneReviews); PubMed 20301387 (cited by GeneReviews); NCBI Bookshelf NBK1208 (cited by GeneReviews).